The following is an entry in ClinVar:

NM_005883.3(APC2):c.2919C>T (p.Gly973=)

Gene: APC2 (APC regulator of Wnt signaling pathway 2; plus strand). Cytogenetic location: 19p13.3.
Variant type: single nucleotide variant.
Coding change: c.2919C>T on transcript NM_005883.3 (MANE Select); coding-DNA position 2919, C replaced by T.
Protein change: p.Gly973=; no amino-acid change (glycine 973 retained).
Molecular consequence: synonymous variant.
Genome position (GRCh38, 1-based): chr19:1,466,220, C>T. VCF-style: chr19-1466220-C-T. GRCh37 (hg19) VCF-style: chr19-1466219-C-T.
Other names: c.2916C>T, p.Gly972= (NM_001351273.1).
Identifiers: ClinVar variation 3046906 (VCV003046906.2), dbSNP rs1428365204, ClinGen allele CA504896507.

ClinVar aggregate classification (germline): Likely benign (0 of 4 stars; one submission).

Conditions:
APC2-related disorder. Also called: APC2-related condition; APC2-Related Disorders.

gnomAD v4.1: 1 of 1,547,584 alleles (0.000065%); no homozygotes.

Submission:

PreventionGenetics, part of Exact Sciences
Classification: Likely benign for APC2-related condition. Last evaluated: 2019-03-12. Review status: no assertion criteria provided. Collection method: clinical testing. Allele origin: germline.
Comment: This variant is classified as likely benign based on ACMG/AMP sequence variant interpretation guidelines (Richards et al. 2015 PMID: 25741868, with internal and published modifications).